The following is an entry in ClinVar:

NM_001377.3(DYNC2H1):c.2339C>G (p.Thr780Ser)

Gene: DYNC2H1 (dynein cytoplasmic 2 heavy chain 1; plus strand). Cytogenetic location: 11q22.3.
Variant type: single nucleotide variant.
Coding change: c.2339C>G on transcript NM_001377.3 (MANE Select); coding-DNA position 2339, C replaced by G.
Protein change: p.Thr780Ser; replaces threonine 780 with serine.
Molecular consequence: missense variant.
Genome position (GRCh38, 1-based): chr11:103,135,628, C>G. VCF-style: chr11-103135628-C-G. GRCh37 (hg19) VCF-style: chr11-103006357-C-G.
Other names: c.2339C>G, p.Thr780Ser (NM_001080463.2); short protein forms T780S.
Identifiers: ClinVar variation 2220327 (VCV002220327.3), dbSNP rs749058358, ClinGen allele CA6253005.

ClinVar aggregate classification (germline): Uncertain significance. Review status: criteria provided, multiple submitters, no conflicts (2 of 4 stars). 2 submissions from 2 submitters: Uncertain significance (2). Last evaluated 2024-08-20.

Conditions:
Inborn genetic diseases. Identifiers: MedGen C0950123, MeSH D030342.

Allele frequency attached by ClinVar (database versions not stated): gnomAD 0.00005; TOPMed 0.00005; gnomAD exomes 0.00006; ExAC 0.00001.
gnomAD v4.1: 86 of 1,612,038 alleles (0.0053%); highest among the groups gnomAD compares: Non-Finnish European, 0.0067%; no homozygotes.

Submissions (2):

GeneDx
Classification: Uncertain significance. Last evaluated: 2024-08-20. Review status: criteria provided, single submitter. Criteria: GeneDx Variant Classification Process June 2021. Collection method: clinical testing. Allele origin: germline. Affected: yes.
Comment: In silico analysis indicates that this missense variant does not alter protein structure/function; Has not been previously published as pathogenic or benign to our knowledge

Ambry Genetics
Classification: Uncertain significance for Inborn genetic diseases. Last evaluated: 2022-08-01. Review status: criteria provided, single submitter. Criteria: Ambry Variant Classification Scheme 2023. Collection method: clinical testing. Allele origin: germline.